The following is an entry in ClinVar:

ClinVar aggregate classification (germline): Uncertain significance. Review status: criteria provided, multiple submitters, no conflicts (2 of 4 stars). 2 submissions from 2 submitters: Uncertain significance (2). Last evaluated 2025-03-04.

Conditions:
Arthrogryposis multiplex congenita 3, myogenic type. Also called: ARTHROGRYPOSIS MULTIPLEX CONGENITA, MYOGENIC TYPE. Identifiers: MedGen C5193121, MONDO:0032778, OMIM 618484.
Emery-Dreifuss muscular dystrophy 4, autosomal dominant (EDMD4). Also called: EMERY-DREIFUSS MUSCULAR DYSTROPHY 4 WITH VARIABLE FEATURES. Identifiers: Orphanet 261, MedGen C2751807, MONDO:0013071, OMIM 612998.
Autosomal recessive ataxia, Beauce type. Also called: ATAXIA, RECESSIVE, OF BEAUCE; SYNE1-Related Autosomal Recessive Cerebellar Ataxia; Spinocerebellar ataxia, autosomal recessive 8; SYNE1 Deficiency. Identifiers: Orphanet 88644, MedGen C1853116, MONDO:0012549, OMIM 610743.

Allele frequency attached by ClinVar (database versions not stated): TOPMed 0.00001.
gnomAD v4.1: 1 of 1,614,230 alleles (0.000062%); highest among the groups gnomAD compares: African/African-American, 0.0013%; no homozygotes.

Submissions (2):

Dasa
Classification: Uncertain significance for Arthrogryposis multiplex congenita 3, myogenic type. Last evaluated: 2025-03-04. Review status: criteria provided, single submitter. Criteria: DASA Assertion Criteria. Collection method: clinical testing. Allele origin: germline.
Comment: NM_182961.4(SYNE1):c.8773G>T (p.Ala2925Ser) is a missense variant that results in the substitution of alanine with serine. This variant is rare in population databases. Computational prediction algorithms are consistent with a benign effect. The currently available literature and clinical evidence are not sufficient to establish a definitive association between this variant and the reported condition. Therefore, this variant is classified as a variant of uncertain significance.

Labcorp Genetics (formerly Invitae), Labcorp
Classification: Uncertain significance for Emery-Dreifuss muscular dystrophy 4, autosomal dominant; Autosomal recessive ataxia, Beauce type. Last evaluated: 2022-02-04. Review status: criteria provided, single submitter. Criteria: Invitae Variant Classification Sherloc (09022015). Collection method: clinical testing. Allele origin: germline.
Comment: In summary, the available evidence is currently insufficient to determine the role of this variant in disease. Therefore, it has been classified as a Variant of Uncertain Significance. Algorithms developed to predict the effect of missense changes on protein structure and function (SIFT, PolyPhen-2, Align-GVGD) all suggest that this variant is likely to be disruptive. This variant has not been reported in the literature in individuals affected with SYNE1-related conditions. This variant is present in population databases (no rsID available, gnomAD 0.007%). This sequence change replaces alanine, which is neutral and non-polar, with serine, which is neutral and polar, at codon 2932 of the SYNE1 protein (p.Ala2932Ser).

NM_182961.4(SYNE1):c.8773G>T (p.Ala2925Ser)

Genes: SYNE1 (spectrin repeat containing nuclear envelope protein 1; minus strand), SYNE1-AS1 (SYNE1 antisense RNA 1; plus strand). Cytogenetic location: 6q25.2.
Variant type: single nucleotide variant.
Coding change: c.8773G>T on transcript NM_182961.4 (MANE Select); coding-DNA position 8773, G replaced by T.
Protein change: p.Ala2925Ser; replaces alanine 2925 with serine.
Molecular consequence: missense variant. On other transcripts: non-coding transcript variant (1).
Genome position (GRCh38, 1-based): chr6:152,381,242, C>A on the plus strand (G>T on the coding strand, the complement: SYNE1 is on the minus strand). VCF-style: chr6-152381242-C-A. GRCh37 (hg19) VCF-style: chr6-152702377-C-A.
Other names: c.8794G>T, p.Ala2932Ser (NM_033071.5); short protein forms A2925S, A2932S.
Identifiers: ClinVar variation 2197697 (VCV002197697.6), dbSNP rs1043548630, ClinGen allele CA150231751.